The following is an entry in ClinVar:

NM_001367624.2(ZNF469):c.5537C>T (p.Thr1846Met)

Gene: ZNF469 (zinc finger protein 469; plus strand). Cytogenetic location: 16q24.2.
Variant type: single nucleotide variant.
Coding change: c.5537C>T on transcript NM_001367624.2 (MANE Select); coding-DNA position 5537, C replaced by T.
Protein change: p.Thr1846Met; replaces threonine 1846 with methionine.
Molecular consequence: missense variant.
Genome position (GRCh38, 1-based): chr16:88,433,007, C>T. VCF-style: chr16-88433007-C-T. GRCh37 (hg19) VCF-style: chr16-88499415-C-T.
Other names: NM_001127464.1:c.5453C>T; NM_001127464.2:c.5453C>T; short protein forms T1846M.
Identifiers: ClinVar variation 1215112 (VCV001215112.17), dbSNP rs539550777, ClinGen allele CA286380657.

ClinVar aggregate classification (germline): Benign/Likely benign. Review status: criteria provided, multiple submitters, no conflicts (2 of 4 stars). 6 submissions from 6 submitters: Benign (3); Likely benign (2). 1 of the submissions does not count toward it. Last evaluated 2026-01-28.

Conditions:
ZNF469-related disorder. Also called: ZNF469-related condition.
Brittle cornea syndrome 1 (BCS1). Also called: DYSGENESIS MESODERMALIS CORNEAE ET SCLERAE; Corneal fragility keratoglobus, blue sclerae AND joint hypermobility; CORNEAL FRAGILITY, KERATOGLOBUS, BLUE SCLERAE, JOINT HYPEREXTENSIBILITY; EDS6B; FRAGILITAS OCULI WITH JOINT HYPEREXTENSIBILITY. Identifiers: Orphanet 90354, MedGen C0268344, MONDO:0024543, OMIM 229200.
Cardiovascular phenotype. Identifiers: MedGen CN230736.

Allele frequency attached by ClinVar (database versions not stated): gnomAD exomes 0.00049 and 0.00008; 1000 Genomes Project 30x 0.00016; TOPMed 0.00026.
gnomAD v4.1: 132 of 1,550,378 alleles (0.0085%); highest among the groups gnomAD compares: Admixed American, 0.17%; 2 homozygotes.

Submissions (6):

Labcorp Genetics (formerly Invitae), Labcorp
Classification: Benign. Last evaluated: 2026-01-28. Review status: criteria provided, single submitter. Criteria: Invitae Variant Classification Sherloc (09022015). Collection method: clinical testing. Allele origin: germline.

Women's Health and Genetics/Laboratory Corporation of America, LabCorp
Classification: Likely benign. Last evaluated: 2025-05-02. Review status: criteria provided, single submitter. Criteria: LabCorp Variant Classification Summary - May 2015. Collection method: clinical testing. Allele origin: germline.
Comment: Variant summary: ZNF469 c.5537C>T (p.Thr1846Met) results in a non-conservative amino acid change in the encoded protein sequence. Algorithms developed to predict the effect of missense changes on protein structure and function are either unavailable or do not agree on the potential impact of this missense change. The variant allele was found at a frequency of 0.00049 in 151930 control chromosomes, predominantly at a frequency of 0.0028 within the Latino subpopulation in the gnomAD database, including 1 homozygotes. The observed variant frequency within Latino control individuals in the gnomAD database exceeds the estimated maximal expected allele frequency for a pathogenic variant in ZNF469 causing Brittle cornea syndrome 1 phenotype. To our knowledge, no occurrence of c.5537C>T in individuals affected with Brittle cornea syndrome 1 and no experimental evidence demonstrating its impact on protein function have been reported. ClinVar contains an entry for this variant (Variation ID: 1215112). Based on the evidence outlined above, the variant was classified as likely benign.

Genome-Nilou Lab
Classification: Benign for Brittle cornea syndrome 1. Last evaluated: 2021-12-05. Review status: criteria provided, single submitter. Criteria: ACMG Guidelines, 2015. Collection method: clinical testing. Allele origin: germline. Affected: no.

Ambry Genetics
Classification: Benign for Cardiovascular phenotype. Last evaluated: 2021-11-09. Review status: criteria provided, single submitter. Criteria: Ambry Variant Classification Scheme 2023. Collection method: clinical testing. Allele origin: germline.

GeneDx
Classification: Likely benign. Last evaluated: 2020-11-05. Review status: criteria provided, single submitter. Criteria: GeneDx Variant Classification Process June 2021. Collection method: clinical testing. Allele origin: germline. Affected: yes.
Comment: This variant is associated with the following publications: (PMID: 28622062)

PreventionGenetics, part of Exact Sciences
Classification: Likely benign for ZNF469-related condition. Last evaluated: 2024-09-12. Review status: no assertion criteria provided. Collection method: clinical testing. Allele origin: germline. Not counted in ClinVar's aggregate classification.
Comment: This variant is classified as likely benign based on ACMG/AMP sequence variant interpretation guidelines (Richards et al. 2015 PMID: 25741868, with internal and published modifications).